The following is an entry in ClinVar:

ClinVar aggregate classification (germline): Likely benign. Review status: criteria provided, single submitter (1 of 4 stars). 2 submissions from 2 submitters: Likely benign (1). 1 of the submissions does not count toward it. Last evaluated 2023-12-07.

Conditions:
TANGO2-related disorder. Also called: TANGO2-related condition.

Allele frequency attached by ClinVar (database versions not stated): ExAC 0.00002; ESP Exome Variant Server 0.00017.
gnomAD v4.1: 71 of 1,610,722 alleles (0.0044%); highest among the groups gnomAD compares: Non-Finnish European, 0.0056%; no homozygotes.

Submissions (2):

Blueprint Genetics
Classification: Likely benign. Last evaluated: 2023-12-07. Review status: criteria provided, single submitter. Criteria: ACMG Guidelines, 2015. Collection method: clinical testing. Allele origin: germline.

PreventionGenetics, part of Exact Sciences
Classification: Likely benign for TANGO2-related condition. Last evaluated: 2019-09-26. Review status: no assertion criteria provided. Collection method: clinical testing. Allele origin: germline. Not counted in ClinVar's aggregate classification.
Comment: This variant is classified as likely benign based on ACMG/AMP sequence variant interpretation guidelines (Richards et al. 2015 PMID: 25741868, with internal and published modifications).

NM_152906.7(TANGO2):c.56+115A>G

Gene: TANGO2 (transport and golgi organization 2 homolog; plus strand). Cytogenetic location: 22q11.21.
Variant type: single nucleotide variant.
Coding change: c.56+115A>G on transcript NM_152906.7 (MANE Select); 115 bases into the intron after coding-DNA position 56, A replaced by G.
Molecular consequence: intron variant. On other transcripts: synonymous variant (8), 5 prime UTR variant (4), non-coding transcript variant (1).
Genome position (GRCh38, 1-based): chr22:20,036,969, A>G. VCF-style: chr22-20036969-A-G. GRCh37 (hg19) VCF-style: chr22-20024492-A-G.
Other names: c.54A>G, p.Ala18= (NM_001283129.3, NM_001283215.3, NM_001322141.2 and 5 more transcripts); c.-249A>G (NM_001322148.2, NM_001322150.2, NM_001322172.2 and 1 more transcripts); c.56+115A>G (NM_001283106.3, NM_001322163.2, NM_001283179.3 and 10 more transcripts); c.-124+115A>G (NM_001322174.2, NM_001322160.2, NM_001322175.2 and 5 more transcripts).
Identifiers: ClinVar variation 3041001 (VCV003041001.3), dbSNP rs376011916, ClinGen allele CA10106139.